The following is an entry in ClinVar:

NC_000006.11:g.(?_162622143)_(162864525_?)dup

Gene: PRKN (parkin RBR E3 ubiquitin protein ligase; minus strand). Cytogenetic location: 6q26.
Variant type: Duplication.
Identifiers: ClinVar variation 1455991 (VCV001455991.5).

ClinVar aggregate classification (germline): Pathogenic (1 of 4 stars; one submission).

Submission:

Labcorp Genetics (formerly Invitae), Labcorp
Classification: Pathogenic. Last evaluated: 2023-12-22. Review status: criteria provided, single submitter. Criteria: Invitae Variant Classification Sherloc (09022015). Collection method: clinical testing. Allele origin: germline.
Comment: This variant results in a copy number gain of the genomic region encompassing exon(s) 2-4 of the PRKN gene. While the exact position of this variant cannot be determined from the data, sub-genic copy number gains are generally in tandem (PMID: 25640679). This variant is predicted to be out-of-frame, and may result in an absent or disrupted protein product. Loss-of-function variants in PRKN are known to be pathogenic (PMID: 10072423, 20301651, 22956510). A similar copy number variant has been observed in individual(s) with early-onset Parkinson disease (PMID: 12764050, 15862897). In at least one individual the data is consistent with being in trans (on the opposite chromosome) from a pathogenic variant. For these reasons, this variant has been classified as Pathogenic.

Literature cited by the submitters: PubMed 25640679; PubMed 10072423; PubMed 20301651; PubMed 22956510; PubMed 12764050; PubMed 15862897.